The following is an entry in ClinVar:

NM_001282225.2(ADA2):c.612G>T (p.Trp204Cys)

Gene: ADA2 (adenosine deaminase 2; minus strand). Cytogenetic location: 22q11.1.
Variant type: single nucleotide variant.
Coding change: c.612G>T on transcript NM_001282225.2 (MANE Select); coding-DNA position 612, G replaced by T.
Protein change: p.Trp204Cys; replaces tryptophan 204 with cysteine.
Molecular consequence: missense variant.
Genome position (GRCh38, 1-based): chr22:17,203,704, C>A on the plus strand (G>T on the coding strand, the complement: ADA2 is on the minus strand). VCF-style: chr22-17203704-C-A. GRCh37 (hg19) VCF-style: chr22-17684594-C-A.
Other names: c.612G>T, p.Trp204Cys (NM_001282226.2); c.486G>T, p.Trp162Cys (NM_001282227.2, NM_001282228.2); c.252G>T, p.Trp84Cys (NM_001282229.2); short protein forms W162C, W204C, W84C.
Identifiers: ClinVar variation 1008377 (VCV001008377.10), dbSNP rs2062319375, ClinGen allele CA410228565.

ClinVar aggregate classification (germline): Uncertain significance. Review status: criteria provided, multiple submitters, no conflicts (2 of 4 stars). 3 submissions from 3 submitters: Uncertain significance (3). Last evaluated 2022-02-14.

Conditions:
Deficiency of adenosine deaminase 2. Also called: Polyarteritis nodosa, childhoood-onset; Adenosine Deaminase 2 Deficiency; VASCULITIS, AUTOINFLAMMATION, IMMUNODEFICIENCY, AND HEMATOLOGIC DEFECTS SYNDROME. Identifiers: Orphanet 404553, MedGen C3887654, MONDO:0014306, OMIM 615688, MONDO:0100317.
Sneddon syndrome (SNDNS). Also called: LIVEDO RETICULARIS AND CEREBROVASCULAR ACCIDENTS; Idiopathic livedo reticularis with systemic involvement. Identifiers: Orphanet 820, MedGen C0282492, MONDO:0008436, OMIM 182410.

Allele frequency attached by ClinVar (database versions not stated): gnomAD exomes below 0.00001.
gnomAD v4.1: 1 of 1,614,154 alleles (0.000062%); highest among the groups gnomAD compares: Admixed American, 0.0017%; no homozygotes.

Submissions (3):

Fulgent Genetics
Classification: Uncertain significance for Sneddon syndrome; Deficiency of adenosine deaminase 2. Last evaluated: 2022-02-14. Review status: criteria provided, single submitter. Criteria: ACMG Guidelines, 2015. Collection method: clinical testing. Allele origin: unknown.

Labcorp Genetics (formerly Invitae), Labcorp
Classification: Uncertain significance for Deficiency of adenosine deaminase 2. Last evaluated: 2021-06-24. Review status: criteria provided, single submitter. Criteria: Invitae Variant Classification Sherloc (09022015). Collection method: clinical testing. Allele origin: germline.
Comment: In summary, the available evidence is currently insufficient to determine the role of this variant in disease. Therefore, it has been classified as a Variant of Uncertain Significance. Algorithms developed to predict the effect of missense changes on protein structure and function are either unavailable or do not agree on the potential impact of this missense change (SIFT: "Deleterious"; PolyPhen-2: "Probably Damaging"; Align-GVGD: "Class C15"). This variant has not been reported in the literature in individuals with ADA2-related conditions. This variant is not present in population databases (ExAC no frequency). This sequence change replaces tryptophan with cysteine at codon 204 of the ADA2 protein (p.Trp204Cys). The tryptophan residue is highly conserved and there is a large physicochemical difference between tryptophan and cysteine.

Baylor Genetics
Classification: Uncertain significance for Deficiency of adenosine deaminase 2. Last evaluated: 2019-09-19. Review status: criteria provided, single submitter. Criteria: ACMG Guidelines, 2015. Collection method: clinical testing. Allele origin: unknown. Affected: yes.
Comment: This variant was determined to be of uncertain significance according to ACMG Guidelines, 2015 [PMID:25741868].